The following is an entry in ClinVar:

ClinVar aggregate classification (germline): Uncertain significance. Review status: criteria provided, multiple submitters, no conflicts (2 of 4 stars). 4 submissions from 4 submitters: Uncertain significance (4). Last evaluated 2026-07-28.

Conditions:
BAG3-related disorder. Also called: BAG3-related condition.
Myofibrillar myopathy 6. Identifiers: Orphanet 199340, MedGen C2751831, MONDO:0013061, OMIM 612954.
Dilated cardiomyopathy 1HH (CMD1HH). Identifiers: Orphanet 154, MedGen C3151293, MONDO:0013479, OMIM 613881.
Cardiovascular phenotype. Identifiers: MedGen CN230736.

Allele frequency attached by ClinVar (database versions not stated): TOPMed 0.00001; gnomAD exomes 0.00002.
gnomAD v4.1: 25 of 1,613,460 alleles (0.0015%); highest among the groups gnomAD compares: Non-Finnish European, 0.0019%; no homozygotes.

Submissions (4):

Ambry Genetics
Classification: Uncertain significance for Cardiovascular phenotype. Last evaluated: 2026-07-28. Review status: criteria provided, single submitter. Criteria: Ambry Variant Classification Scheme 2023. Collection method: clinical testing. Allele origin: germline.
Comment: The p.P174S variant (also known as c.520C>T), located in coding exon 3 of the BAG3 gene, results from a C to T substitution at nucleotide position 520. The proline at codon 174 is replaced by serine, an amino acid with similar properties. This amino acid position is conserved. In addition, the in silico prediction for this alteration is inconclusive. Based on the available evidence, the clinical significance of this variant remains unclear.

Labcorp Genetics (formerly Invitae), Labcorp
Classification: Uncertain significance for Dilated cardiomyopathy 1HH; Myofibrillar myopathy 6. Last evaluated: 2024-06-08. Review status: criteria provided, single submitter. Criteria: Invitae Variant Classification Sherloc (09022015). Collection method: clinical testing. Allele origin: germline.
Comment: This sequence change replaces proline, which is neutral and non-polar, with serine, which is neutral and polar, at codon 174 of the BAG3 protein (p.Pro174Ser). This variant is not present in population databases (gnomAD no frequency). This variant has not been reported in the literature in individuals affected with BAG3-related conditions. ClinVar contains an entry for this variant (Variation ID: 471801). Advanced modeling of protein sequence and biophysical properties (such as structural, functional, and spatial information, amino acid conservation, physicochemical variation, residue mobility, and thermodynamic stability) performed at Invitae indicates that this missense variant is not expected to disrupt BAG3 protein function with a negative predictive value of 80%. In summary, the available evidence is currently insufficient to determine the role of this variant in disease. Therefore, it has been classified as a Variant of Uncertain Significance.

PreventionGenetics, part of Exact Sciences
Classification: Uncertain significance for BAG3-related condition. Last evaluated: 2023-09-26. Review status: criteria provided, single submitter. Criteria: ACMG Guidelines, 2015. Collection method: clinical testing. Allele origin: germline.
Comment: The BAG3 c.520C>T variant is predicted to result in the amino acid substitution p.Pro174Ser. To our knowledge, this variant has not been reported in the literature or in a large population database, indicating this variant is rare. At this time, the clinical significance of this variant is uncertain due to the absence of conclusive functional and genetic evidence.

GeneDx
Classification: Uncertain significance. Last evaluated: 2023-06-12. Review status: criteria provided, single submitter. Criteria: GeneDx Variant Classification Process June 2021. Collection method: clinical testing. Allele origin: germline. Affected: yes.
Comment: Has not been previously published as pathogenic or benign to our knowledge; Not observed at significant frequency in large population cohorts (gnomAD); In silico analysis supports that this missense variant has a deleterious effect on protein structure/function

NM_004281.4(BAG3):c.520C>T (p.Pro174Ser)

Gene: BAG3 (BAG cochaperone 3; plus strand). Cytogenetic location: 10q26.11.
Variant type: single nucleotide variant.
Coding change: c.520C>T on transcript NM_004281.4 (MANE Select); coding-DNA position 520, C replaced by T.
Protein change: p.Pro174Ser; replaces proline 174 with serine.
Molecular consequence: missense variant.
Genome position (GRCh38, 1-based): chr10:119,672,267, C>T. VCF-style: chr10-119672267-C-T. GRCh37 (hg19) VCF-style: chr10-121431779-C-T.
Other names: short protein forms P174S.
Identifiers: ClinVar variation 471801 (VCV000471801.11), dbSNP rs1472073020, ClinGen allele CA16622105.